The following is an entry in ClinVar:

NM_001035.3(RYR2):c.11516T>A (p.Leu3839His)

Gene: RYR2 (ryanodine receptor 2; plus strand). Cytogenetic location: 1q43.
Variant type: single nucleotide variant.
Coding change: c.11516T>A on transcript NM_001035.3 (MANE Select); coding-DNA position 11516, T replaced by A.
Protein change: p.Leu3839His; replaces leucine 3839 with histidine.
Molecular consequence: missense variant.
Genome position (GRCh38, 1-based): chr1:237,770,846, T>A. VCF-style: chr1-237770846-T-A. GRCh37 (hg19) VCF-style: chr1-237934146-T-A.
Other names: short protein forms L3839H.
Identifiers: ClinVar variation 3633832 (VCV003633832.2).

ClinVar aggregate classification (germline): Uncertain significance (1 of 4 stars; one submission).

Conditions:
Catecholaminergic polymorphic ventricular tachycardia 1. Also called: VENTRICULAR TACHYCARDIA, CATECHOLAMINERGIC POLYMORPHIC, 1, WITH OR WITHOUT ATRIAL DYSFUNCTION AND/OR DILATED CARDIOMYOPATHY; RYR2-Related Catecholaminergic Polymorphic Ventricular Tachycardia; VENTRICULAR TACHYCARDIA, STRESS-INDUCED POLYMORPHIC 1. Identifiers: Orphanet 3286, MedGen C1631597, MONDO:0011484, OMIM 604772.

gnomAD v4.1: 1 of 1,553,430 alleles (0.000064%); highest among the groups gnomAD compares: African/African-American, 0.0014%; no homozygotes.

Submission:

Labcorp Genetics (formerly Invitae), Labcorp
Classification: Uncertain significance for Catecholaminergic polymorphic ventricular tachycardia 1. Last evaluated: 2024-08-19. Review status: criteria provided, single submitter. Criteria: Invitae Variant Classification Sherloc (09022015). Collection method: clinical testing. Allele origin: germline.
Comment: This sequence change replaces leucine, which is neutral and non-polar, with histidine, which is basic and polar, at codon 3839 of the RYR2 protein (p.Leu3839His). The frequency data for this variant in the population databases is considered unreliable, as metrics indicate poor data quality at this position in the gnomAD database. This variant has not been reported in the literature in individuals affected with RYR2-related conditions. Invitae Evidence Modeling of protein sequence and biophysical properties (such as structural, functional, and spatial information, amino acid conservation, physicochemical variation, residue mobility, and thermodynamic stability) indicates that this missense variant is expected to disrupt RYR2 protein function with a positive predictive value of 95%. In summary, the available evidence is currently insufficient to determine the role of this variant in disease. Therefore, it has been classified as a Variant of Uncertain Significance.